The following is an entry in ClinVar:

ClinVar aggregate classification (germline): Uncertain significance (1 of 4 stars; one submission).

Allele frequency attached by ClinVar (database versions not stated): gnomAD exomes 0.00001.
gnomAD v4.1: 9 of 1,598,236 alleles (0.00056%); highest among the groups gnomAD compares: Admixed American, 0.0052%; no homozygotes.

Submission:

Labcorp Genetics (formerly Invitae), Labcorp
Classification: Uncertain significance. Last evaluated: 2025-02-12. Review status: criteria provided, single submitter. Criteria: Invitae Variant Classification Sherloc (09022015). Collection method: clinical testing. Allele origin: germline.
Comment: This sequence change replaces aspartic acid, which is acidic and polar, with asparagine, which is neutral and polar, at codon 750 of the MKL1 protein (p.Asp750Asn). The frequency data for this variant in the population databases is considered unreliable, as metrics indicate poor data quality at this position in the gnomAD database. This variant has not been reported in the literature in individuals affected with MKL1-related conditions. ClinVar contains an entry for this variant (Variation ID: 1682943). An algorithm developed to predict the effect of missense changes on protein structure and function (PolyPhen-2) suggests that this variant is likely to be disruptive. In summary, the available evidence is currently insufficient to determine the role of this variant in disease. Therefore, it has been classified as a Variant of Uncertain Significance.

NM_020831.6(MRTFA):c.2548G>A (p.Asp850Asn)

Gene: MRTFA (myocardin related transcription factor A; minus strand). Cytogenetic location: 22q13.1.
Variant type: single nucleotide variant.
Coding change: c.2548G>A on transcript NM_020831.6 (MANE Select); coding-DNA position 2548, G replaced by A.
Protein change: p.Asp850Asn; replaces aspartic acid 850 with asparagine.
Molecular consequence: missense variant.
Genome position (GRCh38, 1-based): chr22:40,417,016, C>T on the plus strand (G>A on the coding strand, the complement: MRTFA is on the minus strand). VCF-style: chr22-40417016-C-T. GRCh37 (hg19) VCF-style: chr22-40813020-C-T.
Other names: c.2248G>A, p.Asp750Asn (NM_001282660.2); c.2398G>A, p.Asp800Asn (NM_001282661.3); c.2548G>A, p.Asp850Asn (NM_001282662.3); c.2353G>A, p.Asp785Asn (NM_001318139.2); short protein forms D750N, D785N, D800N, D850N.
Identifiers: ClinVar variation 1682943 (VCV001682943.6), dbSNP rs769372093, ClinGen allele CA411655455.
Genomic context (GRCh38, chr22:40,417,016, plus strand): 5'-TCAGGGAGGCAGCAGGGGACCTGGGGTTACCTCCGCTCTGAATGAGAATGTCAAACAGGT[C>T]GTCCATCTGCTGGCTTGAGGAACCATTTTCCTGTGGGACAAAGGAAAAAAAAAAAAGAGA-3'
Protein context (NP_065882.2, residues 840-860): ENGSSSQQMD[Asp850Asn]LFDILIQSGE